The following is an entry in ClinVar:

NM_000540.3(RYR1):c.11734A>G (p.Ile3912Val)

Gene: RYR1 (ryanodine receptor 1; plus strand). Cytogenetic location: 19q13.2.
Variant type: single nucleotide variant.
Coding change: c.11734A>G on transcript NM_000540.3 (MANE Select); coding-DNA position 11734, A replaced by G.
Protein change: p.Ile3912Val; replaces isoleucine 3912 with valine.
Molecular consequence: missense variant.
Genome position (GRCh38, 1-based): chr19:38,543,391, A>G. VCF-style: chr19-38543391-A-G. GRCh37 (hg19) VCF-style: chr19-39034031-A-G.
Other names: c.11719A>G, p.Ile3907Val (NM_001042723.2); short protein forms I3912V, I3907V.
Identifiers: ClinVar variation 3708309 (VCV003708309.2).

ClinVar aggregate classification (germline): Uncertain significance (1 of 4 stars; one submission).

Conditions:
RYR1-related disorder. Also called: RYR1-related condition; RYR1-related disorders. Identifiers: MedGen CN239331.

gnomAD v4.1: 1 of 1,614,212 alleles (0.000062%); highest among the groups gnomAD compares: South Asian, 0.0011%; no homozygotes.

Submission:

Labcorp Genetics (formerly Invitae), Labcorp
Classification: Uncertain significance for RYR1-related disorder. Last evaluated: 2024-04-15. Review status: criteria provided, single submitter. Criteria: Invitae Variant Classification Sherloc (09022015). Collection method: clinical testing. Allele origin: germline.
Comment: This sequence change replaces isoleucine, which is neutral and non-polar, with valine, which is neutral and non-polar, at codon 3912 of the RYR1 protein (p.Ile3912Val). This variant is not present in population databases (gnomAD no frequency). This variant has not been reported in the literature in individuals affected with RYR1-related conditions. Advanced modeling of protein sequence and biophysical properties (such as structural, functional, and spatial information, amino acid conservation, physicochemical variation, residue mobility, and thermodynamic stability) performed at Invitae indicates that this missense variant is not expected to disrupt RYR1 protein function with a negative predictive value of 95%. In summary, the available evidence is currently insufficient to determine the role of this variant in disease. Therefore, it has been classified as a Variant of Uncertain Significance.